The following is an entry in ClinVar:

ClinVar aggregate classification (germline): Uncertain significance. Review status: criteria provided, multiple submitters, no conflicts (2 of 4 stars). 2 submissions from 2 submitters: Uncertain significance (2). Last evaluated 2022-09-07.

Allele frequency attached by ClinVar (database versions not stated): gnomAD exomes below 0.00001.

Submissions (2):

GeneDx
Classification: Uncertain significance. Last evaluated: 2022-09-07. Review status: criteria provided, single submitter. Criteria: GeneDx Variant Classification Process June 2021. Collection method: clinical testing. Allele origin: germline. Affected: yes.
Comment: Not observed at significant frequency in large population cohorts (gnomAD); Frameshift variant predicted to result in protein truncation or nonsense mediated decay in a gene or region of a gene for which loss of function is not a well-established mechanism of disease; Has not been previously published as pathogenic or benign to our knowledge

Blueprint Genetics
Classification: Uncertain significance. Last evaluated: 2020-06-07. Review status: criteria provided, single submitter. Criteria: ACMG Guidelines, 2015. Collection method: clinical testing. Allele origin: germline.

NM_018896.5(CACNA1G):c.1641del (p.Gly548fs)

Gene: CACNA1G (calcium voltage-gated channel subunit alpha1 G; plus strand). Cytogenetic location: 17q21.33.
Variant type: Deletion.
Coding change: c.1641del on transcript NM_018896.5 (MANE Select); coding-DNA position 1641, one base deleted (T; older notation c.1641delT).
Protein change: p.Gly548fs; shifts the reading frame from glycine 548.
Molecular consequence: frameshift variant. On other transcripts: non-coding transcript variant (5).
Genome position (GRCh38, 1-based): chr17:50,576,043, T deleted. VCF-style (leftmost placement, unchanged base first): chr17-50576042-CT-C. GRCh37 (hg19) VCF-style: chr17-48653403-CT-C.
Other names: c.1641del, p.Gly548fs (NM_001256324.2, NM_001256325.2, NM_001256326.2 and 24 more transcripts); short protein forms G548fs.
Identifiers: ClinVar variation 2443670 (VCV002443670.2), dbSNP rs2544869897, ClinGen allele CA2580094200.